The following is an entry in ClinVar:

ClinVar aggregate classification (germline): Uncertain significance (1 of 4 stars; one submission).

gnomAD v4.1: 12 of 1,513,032 alleles (0.00079%); highest among the groups gnomAD compares: Admixed American, 0.02%; no homozygotes.

Submission:

GeneDx
Classification: Uncertain significance. Last evaluated: 2023-11-18. Review status: criteria provided, single submitter. Criteria: GeneDx Variant Classification Process June 2021. Collection method: clinical testing. Allele origin: germline. Affected: yes.
Comment: In silico analysis supports that this missense variant does not alter protein structure/function; Has not been previously published as pathogenic or benign to our knowledge

NM_000181.4(GUSB):c.8G>T (p.Arg3Leu)

Gene: GUSB (glucuronidase beta; minus strand). Cytogenetic location: 7q11.21.
Variant type: single nucleotide variant.
Coding change: c.8G>T on transcript NM_000181.4 (MANE Select); coding-DNA position 8, G replaced by T.
Protein change: p.Arg3Leu; replaces arginine 3 with leucine.
Molecular consequence: missense variant. On other transcripts: 5 prime UTR variant (2), non-coding transcript variant (1).
Genome position (GRCh38, 1-based): chr7:65,982,176, C>A on the plus strand (G>T on the coding strand, the complement: GUSB is on the minus strand). VCF-style: chr7-65982176-C-A. GRCh37 (hg19) VCF-style: chr7-65447163-C-A.
Other names: c.8G>T, p.Arg3Leu (NM_001284290.2); c.-378G>T (NM_001293104.2); c.-322G>T (NM_001293105.2); short protein forms R3L.
Identifiers: ClinVar variation 3342417 (VCV003342417.1).